The following is an entry in ClinVar:

NM_016363.5(GP6):c.*201G>A

Gene: GP6 (glycoprotein VI platelet; minus strand). Cytogenetic location: 19q13.42.
Variant type: single nucleotide variant.
Coding change: c.*201G>A on transcript NM_016363.5 (MANE Select); 201 bases downstream of the stop codon, G replaced by A.
Molecular consequence: 3 prime UTR variant. On other transcripts: missense variant (1).
Genome position (GRCh38, 1-based): chr19:55,014,720, C>T on the plus strand (G>A on the coding strand, the complement: GP6 is on the minus strand). VCF-style: chr19-55014720-C-T. GRCh37 (hg19) VCF-style: chr19-55526088-C-T.
Other names: c.1225G>A, p.Ala409Thr (NM_001083899.2); c.*201G>A (NM_001256017.2); short protein forms A409T.
Identifiers: ClinVar variation 1949500 (VCV001949500.4), dbSNP rs769169673, ClinGen allele CA310121386.

ClinVar aggregate classification (germline): Uncertain significance (1 of 4 stars; one submission).

Allele frequency attached by ClinVar (database versions not stated): gnomAD exomes 0.00001; TOPMed 0.00001; ExAC 0.00005.
gnomAD v4.1: 16 of 1,613,684 alleles (0.00099%); highest among the groups gnomAD compares: Admixed American, 0.025%; no homozygotes.

Submission:

Labcorp Genetics (formerly Invitae), Labcorp
Classification: Uncertain significance. Last evaluated: 2024-05-15. Review status: criteria provided, single submitter. Criteria: Invitae Variant Classification Sherloc (09022015). Collection method: clinical testing. Allele origin: germline.
Comment: This sequence change replaces alanine, which is neutral and non-polar, with threonine, which is neutral and polar, at codon 409 of the GP6 protein (p.Ala409Thr). This variant is present in population databases (rs769169673, gnomAD 0.03%). This variant has not been reported in the literature in individuals affected with GP6-related conditions. ClinVar contains an entry for this variant (Variation ID: 1949500). Algorithms developed to predict the effect of missense changes on protein structure and function output the following: SIFT: "Not Available"; PolyPhen-2: "Benign"; Align-GVGD: "Not Available". The threonine amino acid residue is found in multiple mammalian species, which suggests that this missense change does not adversely affect protein function. In summary, the available evidence is currently insufficient to determine the role of this variant in disease. Therefore, it has been classified as a Variant of Uncertain Significance.